The following is an entry in ClinVar:

ClinVar aggregate classification (germline): Uncertain significance (1 of 4 stars; one submission).

Conditions:
Inborn genetic diseases. Identifiers: MedGen C0950123, MeSH D030342.

Submission:

Ambry Genetics
Classification: Uncertain significance for Inborn genetic diseases. Last evaluated: 2024-07-28. Review status: criteria provided, single submitter. Criteria: Ambry Variant Classification Scheme 2023. Collection method: clinical testing. Allele origin: germline.
Comment: The p.V706L variant (also known as c.2116G>C), located in coding exon 13 of the PIK3CA gene, results from a G to C substitution at nucleotide position 2116. The valine at codon 706 is replaced by leucine, an amino acid with highly similar properties. This amino acid position is conserved. In addition, the in silico prediction for this alteration is inconclusive. Based on the available evidence, the clinical significance of this variant remains unclear.

NM_006218.4(PIK3CA):c.2116G>C (p.Val706Leu)

Gene: PIK3CA (phosphatidylinositol-4,5-bisphosphate 3-kinase catalytic subunit alpha; plus strand). Cytogenetic location: 3q26.32.
Variant type: single nucleotide variant.
Coding change: c.2116G>C on transcript NM_006218.4 (MANE Select); coding-DNA position 2116, G replaced by C.
Protein change: p.Val706Leu; replaces valine 706 with leucine.
Molecular consequence: missense variant.
Genome position (GRCh38, 1-based): chr3:179,221,086, G>C. VCF-style: chr3-179221086-G-C. GRCh37 (hg19) VCF-style: chr3-178938874-G-C.
Other names: short protein forms V706L.
Identifiers: ClinVar variation 3418515 (VCV003418515.1).